The following is an entry in ClinVar:

NM_015909.4(NBAS):c.3241A>G (p.Arg1081Gly)

Gene: NBAS (NBAS subunit of NRZ tethering complex; minus strand). Cytogenetic location: 2p24.3.
Variant type: single nucleotide variant.
Coding change: c.3241A>G on transcript NM_015909.4 (MANE Select); coding-DNA position 3241, A replaced by G.
Protein change: p.Arg1081Gly; replaces arginine 1081 with glycine.
Molecular consequence: missense variant. On other transcripts: non-coding transcript variant (1).
Genome position (GRCh38, 1-based): chr2:15,394,243, T>C on the plus strand (A>G on the coding strand, the complement: NBAS is on the minus strand). VCF-style: chr2-15394243-T-C. GRCh37 (hg19) VCF-style: chr2-15534367-T-C.
Other names: short protein forms R1081G.
Identifiers: ClinVar variation 1993627 (VCV001993627.1), dbSNP rs769765777, ClinGen allele CA1536105.

ClinVar aggregate classification (germline): Uncertain significance (1 of 4 stars; one submission).

Allele frequency attached by ClinVar (database versions not stated): ExAC 0.00001; gnomAD 0.00001; TOPMed 0.00002.
gnomAD v4.1: 1 of 1,610,110 alleles (0.000062%); highest among the groups gnomAD compares: African/African-American, 0.0013%; no homozygotes.

Submission:

Labcorp Genetics (formerly Invitae), Labcorp
Classification: Uncertain significance. Last evaluated: 2022-05-12. Review status: criteria provided, single submitter. Criteria: Invitae Variant Classification Sherloc (09022015). Collection method: clinical testing. Allele origin: germline.
Comment: This sequence change replaces arginine, which is basic and polar, with glycine, which is neutral and non-polar, at codon 1081 of the NBAS protein (p.Arg1081Gly). The frequency data for this variant in the population databases is considered unreliable, as metrics indicate poor data quality at this position in the gnomAD database. This variant has not been reported in the literature in individuals affected with NBAS-related conditions. Algorithms developed to predict the effect of missense changes on protein structure and function (SIFT, PolyPhen-2, Align-GVGD) all suggest that this variant is likely to be disruptive. In summary, the available evidence is currently insufficient to determine the role of this variant in disease. Therefore, it has been classified as a Variant of Uncertain Significance.